The following is an entry in ClinVar:

ClinVar aggregate classification (germline): Uncertain significance. Review status: criteria provided, multiple submitters, no conflicts (2 of 4 stars). 2 submissions from 2 submitters: Uncertain significance (2). Last evaluated 2023-11-01.

Conditions:
Hereditary cancer-predisposing syndrome. Also called: Tumor predisposition; Hereditary neoplastic syndrome; Neoplastic Syndromes, Hereditary; Hereditary Cancer Syndrome. Identifiers: Orphanet 140162, MedGen C0027672, MeSH D009386, MONDO:0015356.

Allele frequency attached by ClinVar (database versions not stated): gnomAD exomes below 0.00001.
gnomAD v4.1: 2 of 1,613,994 alleles (0.00012%); highest among the groups gnomAD compares: Non-Finnish European, 0.00017%; no homozygotes.

Submissions (2):

Ambry Genetics
Classification: Uncertain significance for Hereditary cancer-predisposing syndrome. Last evaluated: 2023-11-01. Review status: criteria provided, single submitter. Criteria: Ambry Variant Classification Scheme 2023. Collection method: clinical testing. Allele origin: germline.
Comment: The p.K786E variant (also known as c.2356A>G), located in coding exon 14 of the RAD50 gene, results from an A to G substitution at nucleotide position 2356. The lysine at codon 786 is replaced by glutamic acid, an amino acid with similar properties. This amino acid position is conserved. In addition, this alteration is predicted to be deleterious by in silico analysis. Since supporting evidence is limited at this time, the clinical significance of this alteration remains unclear.

Labcorp Genetics (formerly Invitae), Labcorp
Classification: Uncertain significance for Hereditary cancer-predisposing syndrome. Last evaluated: 2020-12-04. Review status: criteria provided, single submitter. Criteria: Invitae Variant Classification Sherloc (09022015). Collection method: clinical testing. Allele origin: germline.
Comment: In summary, the available evidence is currently insufficient to determine the role of this variant in disease. Therefore, it has been classified as a Variant of Uncertain Significance. Algorithms developed to predict the effect of missense changes on protein structure and function (SIFT, PolyPhen-2, Align-GVGD) all suggest that this variant is likely to be tolerated, but these predictions have not been confirmed by published functional studies and their clinical significance is uncertain. This variant has not been reported in the literature in individuals with RAD50-related conditions. This variant is not present in population databases (ExAC no frequency). This sequence change replaces lysine with glutamic acid at codon 786 of the RAD50 protein (p.Lys786Glu). The lysine residue is moderately conserved and there is a small physicochemical difference between lysine and glutamic acid.

NM_005732.4(RAD50):c.2356A>G (p.Lys786Glu)

Gene: RAD50 (RAD50 double strand break repair protein; plus strand). Cytogenetic location: 5q31.1.
Variant type: single nucleotide variant.
Coding change: c.2356A>G on transcript NM_005732.4 (MANE Select); coding-DNA position 2356, A replaced by G.
Protein change: p.Lys786Glu; replaces lysine 786 with glutamic acid.
Molecular consequence: missense variant.
Genome position (GRCh38, 1-based): chr5:132,603,448, A>G. VCF-style: chr5-132603448-A-G. GRCh37 (hg19) VCF-style: chr5-131939140-A-G.
Other names: short protein forms K786E.
Identifiers: ClinVar variation 857201 (VCV000857201.11), dbSNP rs1750924600, ClinGen allele CA360954889.